The following is an entry in ClinVar:

NM_016204.4(GDF2):c.508G>A (p.Val170Met)

Gene: GDF2 (growth differentiation factor 2; plus strand). Cytogenetic location: 10q11.22.
Variant type: single nucleotide variant.
Coding change: c.508G>A on transcript NM_016204.4 (MANE Select); coding-DNA position 508, G replaced by A.
Protein change: p.Val170Met; replaces valine 170 with methionine.
Molecular consequence: missense variant.
Genome position (GRCh38, 1-based): chr10:47,325,002, G>A. VCF-style: chr10-47325002-G-A. GRCh37 (hg19) VCF-style: chr10-48414360-C-T.
Other names: short protein forms V170M.
Identifiers: ClinVar variation 2749732 (VCV002749732.3), dbSNP rs201972913, ClinGen allele CA5488091.
Genomic context (GRCh38, chr10:47,325,002, plus strand): 5'-CTCCGACTCTATGTCTCCTGTCAAAATCACGTGGACCCCTCTCATGACCTGAAAGGAAGC[G>A]TGGTCATTTATGATGTTCTGGATGGAACAGATGCCTGGGATAGTGCTACAGAGACCAAGA-3'
Protein context (NP_057288.1, residues 160-180): VDPSHDLKGS[Val170Met]VIYDVLDGTD

ClinVar aggregate classification (germline): Uncertain significance (1 of 4 stars; one submission).

Conditions:
Telangiectasia, hereditary hemorrhagic, type 5 (HHT5). Identifiers: Orphanet 774, MedGen C3809710, MONDO:0014217, OMIM 615506.

Allele frequency attached by ClinVar (database versions not stated): gnomAD 0.00001; 1000 Genomes Project 0.00020; 1000 Genomes Project 30x 0.00016; TOPMed 0.00002.
gnomAD v4.1: 52 of 1,614,156 alleles (0.0032%); highest among the groups gnomAD compares: Non-Finnish European, 0.0042%; no homozygotes.

Submission:

Labcorp Genetics (formerly Invitae), Labcorp
Classification: Uncertain significance for Telangiectasia, hereditary hemorrhagic, type 5. Last evaluated: 2025-12-19. Review status: criteria provided, single submitter. Criteria: Invitae Variant Classification Sherloc (09022015). Collection method: clinical testing. Allele origin: germline.
Comment: This sequence change replaces valine, which is neutral and non-polar, with methionine, which is neutral and non-polar, at codon 170 of the GDF2 protein (p.Val170Met). This variant is present in population databases (rs201972913, gnomAD 0.007%). This variant has not been reported in the literature in individuals affected with GDF2-related conditions. ClinVar contains an entry for this variant (Variation ID: 2749732). Invitae Evidence Modeling of protein sequence and biophysical properties (such as structural, functional, and spatial information, amino acid conservation, physicochemical variation, residue mobility, and thermodynamic stability) indicates that this missense variant is not expected to disrupt GDF2 protein function with a negative predictive value of 80%. In summary, the available evidence is currently insufficient to determine the role of this variant in disease. Therefore, it has been classified as a Variant of Uncertain Significance.